The following is an entry in ClinVar:

NM_004186.5(SEMA3F):c.354C>T (p.Phe118=)

Gene: SEMA3F (semaphorin 3F; plus strand). Cytogenetic location: 3p21.31.
Variant type: single nucleotide variant.
Coding change: c.354C>T on transcript NM_004186.5 (MANE Select); coding-DNA position 354, C replaced by T.
Protein change: p.Phe118=; no amino-acid change (phenylalanine 118 retained).
Molecular consequence: synonymous variant.
Genome position (GRCh38, 1-based): chr3:50,174,248, C>T. VCF-style: chr3-50174248-C-T. GRCh37 (hg19) VCF-style: chr3-50211681-C-T.
Other names: c.150C>T, p.Phe50= (NM_001318798.2); c.354C>T, p.Phe118= (NM_001318800.2).
Identifiers: ClinVar variation 3054704 (VCV003054704.2), dbSNP rs200273983, ClinGen allele CA2411737.

ClinVar aggregate classification (germline): Likely benign (0 of 4 stars; one submission).

Conditions:
SEMA3F-related disorder. Also called: SEMA3F-related condition.

Allele frequency attached by ClinVar (database versions not stated): ExAC 0.00006; TOPMed 0.00006; ESP Exome Variant Server 0.00008; gnomAD 0.00009; gnomAD exomes 0.00009.
gnomAD v4.1: 145 of 1,613,650 alleles (0.009%); highest among the groups gnomAD compares: Non-Finnish European, 0.01%; no homozygotes.

Submission:

PreventionGenetics, part of Exact Sciences
Classification: Likely benign for SEMA3F-related condition. Last evaluated: 2021-12-28. Review status: no assertion criteria provided. Collection method: clinical testing. Allele origin: germline.
Comment: This variant is classified as likely benign based on ACMG/AMP sequence variant interpretation guidelines (Richards et al. 2015 PMID: 25741868, with internal and published modifications).